The following is an entry in ClinVar:

NM_014244.5(ADAMTS2):c.*2587T>C

Gene: ADAMTS2 (ADAM metallopeptidase with thrombospondin type 1 motif 2; minus strand). Cytogenetic location: 5q35.3.
Variant type: single nucleotide variant.
Coding change: c.*2587T>C on transcript NM_014244.5 (MANE Select); 2587 bases downstream of the stop codon, T replaced by C.
Molecular consequence: 3 prime UTR variant.
Genome position (GRCh38, 1-based): chr5:179,111,280, A>G on the plus strand (T>C on the coding strand, the complement: ADAMTS2 is on the minus strand). VCF-style: chr5-179111280-A-G. GRCh37 (hg19) VCF-style: chr5-178538281-A-G.
Identifiers: ClinVar variation 353045 (VCV000353045.5), dbSNP rs140304884, ClinGen allele CA10624331.

ClinVar aggregate classification (germline): Likely benign (1 of 4 stars; one submission).

Conditions:
Ehlers-Danlos syndrome, dermatosparaxis type. Also called: EDS VIIC; Dermatosparaxis; Ehlers-Danlos syndrome, type VII, autosomal recessive. Identifiers: Orphanet 1901, MedGen C2700425, MONDO:0009161, OMIM 225410.

Allele frequency attached by ClinVar (database versions not stated): gnomAD 0.00378 and 0.00414; 1000 Genomes Project 0.00399; TOPMed 0.00433; 1000 Genomes Project 30x 0.00515.

Submission:

Illumina Laboratory Services, Illumina
Classification: Likely benign for Ehlers-Danlos syndrome, dermatosparaxis type. Last evaluated: 2018-01-13. Review status: criteria provided, single submitter. Criteria: ICSL Variant Classification Criteria 13 December 2019. Collection method: clinical testing. Allele origin: germline.
Comment: This variant was observed in the ICSL laboratory as part of a predisposition screen in an ostensibly healthy population. It had not been previously curated by ICSL or reported in the Human Gene Mutation Database (HGMD: prior to June 1st, 2018), and was therefore a candidate for classification through an automated scoring system. Utilizing variant allele frequency, disease prevalence and penetrance estimates, and inheritance mode, an automated score was calculated to assess if this variant is too frequent to cause the disease. Based on the score and internal cut-off values, a variant classified as likely benign is not then subjected to further curation. The score for this variant resulted in a classification of likely benign for this disease.